The following is an entry in ClinVar:

NM_016169.4(SUFU):c.848A>C (p.Glu283Ala)

Gene: SUFU (SUFU negative regulator of hedgehog signaling; plus strand). Cytogenetic location: 10q24.32.
Variant type: single nucleotide variant.
Coding change: c.848A>C on transcript NM_016169.4 (MANE Select); coding-DNA position 848, A replaced by C.
Protein change: p.Glu283Ala; replaces glutamic acid 283 with alanine.
Molecular consequence: missense variant.
Genome position (GRCh38, 1-based): chr10:102,597,231, A>C. VCF-style: chr10-102597231-A-C. GRCh37 (hg19) VCF-style: chr10-104356988-A-C.
Other names: c.848A>C, p.Glu283Ala (NM_001178133.2); short protein forms E283A.
Identifiers: ClinVar variation 2566880 (VCV002566880.6), dbSNP rs763598499, ClinGen allele CA377910613.

ClinVar aggregate classification (germline): Uncertain significance. Review status: criteria provided, multiple submitters, no conflicts (2 of 4 stars). 3 submissions from 3 submitters: Uncertain significance (3). Last evaluated 2023-12-22.

Conditions:
Gorlin syndrome. Also called: Nevoid Basal Cell Carcinoma Syndrome; Basal cell nevus syndrome. Identifiers: Orphanet 377, MedGen C0004779, MONDO:0007187.
Medulloblastoma (MDB). Also called: MEDULLOBLASTOMA PREDISPOSITION SYNDROME; Medulloblastoma, somatic. Identifiers: Orphanet 616, MedGen C0025149, MeSH D008527, MONDO:0007959, OMIM 155255, HP:0002885.
Hereditary cancer-predisposing syndrome. Also called: Neoplastic Syndromes, Hereditary; Hereditary Cancer Syndrome; Tumor predisposition; Hereditary neoplastic syndrome. Identifiers: Orphanet 140162, MedGen C0027672, MeSH D009386, MONDO:0015356.
Familial meningioma. Also called: Meningioma, familial, susceptibility to. Identifiers: Orphanet 263662, MedGen C3551915, MONDO:0011789, OMIM 607174.

Submissions (3):

Labcorp Genetics (formerly Invitae), Labcorp
Classification: Uncertain significance for Gorlin syndrome; Medulloblastoma. Last evaluated: 2023-12-22. Review status: criteria provided, single submitter. Criteria: Invitae Variant Classification Sherloc (09022015). Collection method: clinical testing. Allele origin: germline.
Comment: This sequence change replaces glutamic acid, which is acidic and polar, with alanine, which is neutral and non-polar, at codon 283 of the SUFU protein (p.Glu283Ala). This variant is not present in population databases (gnomAD no frequency). This variant has not been reported in the literature in individuals affected with SUFU-related conditions. ClinVar contains an entry for this variant (Variation ID: 2566880). Advanced modeling of protein sequence and biophysical properties (such as structural, functional, and spatial information, amino acid conservation, physicochemical variation, residue mobility, and thermodynamic stability) performed at Invitae indicates that this missense variant is not expected to disrupt SUFU protein function with a negative predictive value of 80%. In summary, the available evidence is currently insufficient to determine the role of this variant in disease. Therefore, it has been classified as a Variant of Uncertain Significance.

Baylor Genetics
Classification: Uncertain significance for Familial meningioma. Last evaluated: 2023-11-02. Review status: criteria provided, single submitter. Criteria: ACMG Guidelines, 2015. Collection method: clinical testing. Allele origin: unknown.

Ambry Genetics
Classification: Uncertain significance for Hereditary cancer-predisposing syndrome. Last evaluated: 2023-05-26. Review status: criteria provided, single submitter. Criteria: Ambry Variant Classification Scheme 2023. Collection method: clinical testing. Allele origin: germline.
Comment: The p.E283A variant (also known as c.848A>C), located in coding exon 7 of the SUFU gene, results from an A to C substitution at nucleotide position 848. The glutamic acid at codon 283 is replaced by alanine, an amino acid with dissimilar properties. This amino acid position is conserved. In addition, the in silico prediction for this alteration is inconclusive. Since supporting evidence is limited at this time, the clinical significance of this alteration remains unclear.